The following is an entry in ClinVar:

ClinVar aggregate classification (germline): Pathogenic. Review status: criteria provided, multiple submitters, no conflicts (2 of 4 stars). 2 submissions from 2 submitters: Pathogenic (2). Last evaluated 2026-07-13.

Conditions:
Deficiency of acetyl-CoA acetyltransferase. Also called: 3-KETOTHIOLASE DEFICIENCY; 3-OXOTHIOLASE DEFICIENCY; MITOCHONDRIAL ACETOACETYL-CoA THIOLASE DEFICIENCY; Beta-ketothiolase deficiency. Identifiers: Orphanet 134, MedGen C1536500, MONDO:0008760, OMIM 203750. Disease mechanism: loss of function.

Submissions (2):

Myriad Genetics, Inc.
Classification: Pathogenic for Deficiency of acetyl-CoA acetyltransferase. Last evaluated: 2026-07-13. Review status: criteria provided, single submitter. Criteria: Myriad Autosomal Dominant, Autosomal Recessive and X-Linked Classification Criteria (2023). Collection method: clinical testing. Allele origin: unknown.
Comment: NM_000019.3(ACAT1):c.410_411ins7(Q138Gfs*41) is expected to be pathogenic in the context of beta-ketothiolase deficiency. This variant is predicted to lead to an abnormal or absent protein product due to the creation of a premature termination codon in ACAT1, a gene where loss-of-function variants are known to be pathogenic. Please note: this variant was assessed in the context of healthy population screening.

Labcorp Genetics (formerly Invitae), Labcorp
Classification: Pathogenic for Deficiency of acetyl-CoA acetyltransferase. Last evaluated: 2025-09-15. Review status: criteria provided, single submitter. Criteria: Invitae Variant Classification Sherloc (09022015). Collection method: clinical testing. Allele origin: germline.
Comment: This sequence change creates a premature translational stop signal (p.Gln138Glyfs*41) in the ACAT1 gene. It is expected to result in an absent or disrupted protein product. Loss-of-function variants in ACAT1 are known to be pathogenic (PMID: 7749408). This variant is not present in population databases (gnomAD no frequency). This variant has not been reported in the literature in individuals affected with ACAT1-related conditions. ClinVar contains an entry for this variant (Variation ID: 2976085). For these reasons, this variant has been classified as Pathogenic.

Literature cited by the submitters: PubMed 7749408 (cited by Labcorp Genetics (formerly Invitae), Labcorp).

NM_000019.4(ACAT1):c.410_411insGGGCCTC (p.Gln138fs)

Gene: ACAT1 (acetyl-CoA acetyltransferase 1; plus strand). Cytogenetic location: 11q22.3.
Variant type: Insertion.
Coding change: c.410_411insGGGCCTC on transcript NM_000019.4 (MANE Select); coding-DNA positions 410 to 411, GGGCCTC inserted.
Protein change: p.Gln138fs; shifts the reading frame from glutamine 138.
Molecular consequence: frameshift variant. On other transcripts: non-coding transcript variant (1), intron variant (1).
Genome position: GRCh38 VCF-style: chr11-108135211-T-TGGCCTCG. GRCh37 (hg19) VCF-style: chr11-108005938-T-TGGCCTCG.
Other names: c.410_411insGGGCCTC, p.Gln138fs (NM_001386677.1); c.113_114insGGGCCTC, p.Gln39fs (NM_001386679.1); c.140_141insGGGCCTC, p.Gln48fs (NM_001386681.1, NM_001386682.1, NM_001386685.1 and 6 more transcripts); c.120+3263_120+3264insGGGCCTC (NM_001386678.1); short protein forms Q138fs, Q48fs, Q39fs.
Identifiers: ClinVar variation 2976085 (VCV002976085.4), dbSNP rs2496592286, ClinGen allele CA2740093191.